The following is an entry in ClinVar:

NM_001008537.3(NEXMIF):c.2324A>C (p.Glu775Ala)

Gene: NEXMIF (neurite extension and migration factor; minus strand). Cytogenetic location: Xq13.3.
Variant type: single nucleotide variant.
Coding change: c.2324A>C on transcript NM_001008537.3 (MANE Select); coding-DNA position 2324, A replaced by C.
Protein change: p.Glu775Ala; replaces glutamic acid 775 with alanine.
Molecular consequence: missense variant.
Genome position (GRCh38, 1-based): chrX:74,742,233, T>G on the plus strand (A>C on the coding strand, the complement: NEXMIF is on the minus strand). VCF-style: chrX-74742233-T-G. GRCh37 (hg19) VCF-style: chrX-73962068-T-G.
Other names: short protein forms E775A.
Identifiers: ClinVar variation 944974 (VCV000944974.9), dbSNP rs2080108002, ClinGen allele CA413668475.

ClinVar aggregate classification (germline): Uncertain significance (1 of 4 stars; one submission).

Submission:

Labcorp Genetics (formerly Invitae), Labcorp
Classification: Uncertain significance. Last evaluated: 2019-06-21. Review status: criteria provided, single submitter. Criteria: Invitae Variant Classification Sherloc (09022015). Collection method: clinical testing. Allele origin: germline.
Comment: In summary, the available evidence is currently insufficient to determine the role of this variant in disease. Therefore, it has been classified as a Variant of Uncertain Significance. This sequence change replaces glutamic acid with alanine at codon 775 of the NEXMIF protein (p.Glu775Ala). The glutamic acid residue is highly conserved and there is a moderate physicochemical difference between glutamic acid and alanine. This variant is not present in population databases (ExAC no frequency). This variant has not been reported in the literature in individuals with NEXMIF-related conditions. Algorithms developed to predict the effect of missense changes on protein structure and function (SIFT, PolyPhen-2, Align-GVGD) all suggest that this variant is likely to be disruptive, but these predictions have not been confirmed by published functional studies and their clinical significance is uncertain.